The following is an entry in ClinVar:

NM_206933.4(USH2A):c.3158-8_3158-3del

Genes: USH2A-AS1 (USH2A antisense RNA 1; plus strand), USH2A (usherin; minus strand). Cytogenetic location: 1q41.
Variant type: Deletion.
Coding change: c.3158-8_3158-3del on transcript NM_206933.4 (MANE Select); 8 bases into the intron before coding-DNA position 3158 through 3 bases into the intron before coding-DNA position 3158, 6 bases deleted (TAATTT; older notation c.3158-8_3158-3delTAATTT).
Molecular consequence: intron variant.
Genome position (GRCh38, 1-based): chr1:216,207,434-216,207,439, AAATTA deleted on the plus strand (TAATTT on the coding strand, the reverse complement: USH2A is on the minus strand). VCF-style (leftmost placement, unchanged base first): chr1-216207433-TAAATTA-T. GRCh37 (hg19) VCF-style: chr1-216380775-TAAATTA-T.
Other names: c.3158-8_3158-3del (NM_007123.6).
Identifiers: ClinVar variation 1052368 (VCV001052368.9), dbSNP rs2102481081, ClinGen allele CA2499214499.

ClinVar aggregate classification (germline): Uncertain significance (1 of 4 stars; one submission).

Submission:

Labcorp Genetics (formerly Invitae), Labcorp
Classification: Uncertain significance. Last evaluated: 2023-08-04. Review status: criteria provided, single submitter. Criteria: Invitae Variant Classification Sherloc (09022015). Collection method: clinical testing. Allele origin: germline.
Comment: This variant is not present in population databases (gnomAD no frequency). This variant has not been reported in the literature in individuals affected with USH2A-related conditions. ClinVar contains an entry for this variant (Variation ID: 1052368). Variants that disrupt the consensus splice site are a relatively common cause of aberrant splicing (PMID: 17576681, 9536098). Algorithms developed to predict the effect of sequence changes on RNA splicing suggest that this variant may disrupt the consensus splice site. In summary, the available evidence is currently insufficient to determine the role of this variant in disease. Therefore, it has been classified as a Variant of Uncertain Significance. This sequence change falls in intron 15 of the USH2A gene. It does not directly change the encoded amino acid sequence of the USH2A protein. It affects a nucleotide within the consensus splice site.

Literature cited by the submitters: PubMed 17576681; PubMed 9536098.